The following is an entry in ClinVar:

ClinVar aggregate classification (germline): Uncertain significance (1 of 4 stars; one submission).

Conditions:
Inborn genetic diseases. Identifiers: MedGen C0950123, MeSH D030342.

Allele frequency attached by ClinVar (database versions not stated): gnomAD 0.00001.
gnomAD v4.1: 6 of 1,614,010 alleles (0.00037%); highest among the groups gnomAD compares: Non-Finnish European, 0.00051%; no homozygotes.

Submission:

Ambry Genetics
Classification: Uncertain significance for Inborn genetic diseases. Last evaluated: 2024-05-02. Review status: criteria provided, single submitter. Criteria: Ambry Variant Classification Scheme 2023. Collection method: clinical testing. Allele origin: germline.
Comment: The p.V531I variant (also known as c.1591G>A), located in coding exon 17 of the ERCC2 gene, results from a G to A substitution at nucleotide position 1591. The valine at codon 531 is replaced by isoleucine, an amino acid with highly similar properties. This amino acid position is conserved. In addition, the in silico prediction for this alteration is inconclusive. Since supporting evidence is limited at this time, the clinical significance of this alteration remains unclear.

NM_000400.4(ERCC2):c.1591G>A (p.Val531Ile)

Gene: ERCC2 (ERCC excision repair 2, TFIIH core complex helicase subunit; minus strand). Cytogenetic location: 19q13.32.
Variant type: single nucleotide variant.
Coding change: c.1591G>A on transcript NM_000400.4 (MANE Select); coding-DNA position 1591, G replaced by A.
Protein change: p.Val531Ile; replaces valine 531 with isoleucine.
Molecular consequence: missense variant.
Genome position (GRCh38, 1-based): chr19:45,354,804, C>T on the plus strand (G>A on the coding strand, the complement: ERCC2 is on the minus strand). VCF-style: chr19-45354804-C-T. GRCh37 (hg19) VCF-style: chr19-45858062-C-T.
Other names: short protein forms V531I.
Identifiers: ClinVar variation 1775929 (VCV001775929.3), dbSNP rs749852903, ClinGen allele CA9513192.